The following is an entry in ClinVar:

ClinVar aggregate classification (germline): Uncertain significance (1 of 4 stars; one submission).

Conditions:
Immunodeficiency 35 (IMD35). Also called: Susceptibility to infection due to TYK2 deficiency; TYK2 DEFICIENCY; HIES WITH ATYPICAL MYCOBACTERIOSIS, AUTOSOMAL RECESSIVE; HYPER-IgE SYNDROME WITH ATYPICAL MYCOBACTERIOSIS, AUTOSOMAL RECESSIVE. Identifiers: Orphanet 331226, MedGen C1969086, MONDO:0012682, OMIM 611521.

Allele frequency attached by ClinVar (database versions not stated): gnomAD 0.00001.
gnomAD v4.1: 1 of 1,613,906 alleles (0.000062%); highest among the groups gnomAD compares: African/African-American, 0.0013%; no homozygotes.

Submission:

Labcorp Genetics (formerly Invitae), Labcorp
Classification: Uncertain significance for Immunodeficiency 35. Last evaluated: 2021-06-04. Review status: criteria provided, single submitter. Criteria: Invitae Variant Classification Sherloc (09022015). Collection method: clinical testing. Allele origin: germline.
Comment: In summary, the available evidence is currently insufficient to determine the role of this variant in disease. Therefore, it has been classified as a Variant of Uncertain Significance. Algorithms developed to predict the effect of missense changes on protein structure and function are either unavailable or do not agree on the potential impact of this missense change (SIFT: "Not Available"; PolyPhen-2: "Probably Damaging"; Align-GVGD: "Not Available"). This sequence change replaces glycine with cysteine at codon 1117 of the TYK2 protein (p.Gly1117Cys). The glycine residue is highly conserved and there is a large physicochemical difference between glycine and cysteine. This variant is not present in population databases (ExAC no frequency). This variant has not been reported in the literature in individuals with TYK2-related conditions.

NM_003331.5(TYK2):c.3349G>T (p.Gly1117Cys)

Gene: TYK2 (tyrosine kinase 2; minus strand). Cytogenetic location: 19p13.2.
Variant type: single nucleotide variant.
Coding change: c.3349G>T on transcript NM_003331.5 (MANE Select); coding-DNA position 3349, G replaced by T.
Protein change: p.Gly1117Cys; replaces glycine 1117 with cysteine.
Molecular consequence: missense variant. On other transcripts: intron variant (1).
Genome position (GRCh38, 1-based): chr19:10,351,132, C>A on the plus strand (G>T on the coding strand, the complement: TYK2 is on the minus strand). VCF-style: chr19-10351132-C-A. GRCh37 (hg19) VCF-style: chr19-10461808-C-A.
Other names: c.3199G>T, p.Gly1067Cys (NM_001385198.1); c.3163G>T, p.Gly1055Cys (NM_001385199.1); c.3346G>T, p.Gly1116Cys (NM_001385200.1); c.3151G>T, p.Gly1051Cys (NM_001385201.1); c.3265G>T, p.Gly1089Cys (NM_001385202.1); c.3430G>T, p.Gly1144Cys (NM_001385203.1); c.3559G>T, p.Gly1187Cys (NM_001385204.1); c.3259G>T, p.Gly1087Cys (NM_001385205.1); and 3 more; short protein forms G1067C, G1089C, G1187C, G1111C, G1144C, G1051C, G1055C, G1087C.
Identifiers: ClinVar variation 1358821 (VCV001358821.8), dbSNP rs1568324534, ClinGen allele CA403980653.